The following is an entry in ClinVar:

NM_001148.6(ANK2):c.11313A>C (p.Glu3771Asp)

Gene: ANK2 (ankyrin 2; plus strand). Cytogenetic location: 4q26.
Variant type: single nucleotide variant.
Coding change: c.11313A>C on transcript NM_001148.6 (MANE Select); coding-DNA position 11313, A replaced by C.
Protein change: p.Glu3771Asp; replaces glutamic acid 3771 with aspartic acid.
Molecular consequence: missense variant.
Genome position (GRCh38, 1-based): chr4:113,367,846, A>C. VCF-style: chr4-113367846-A-C. GRCh37 (hg19) VCF-style: chr4-114289002-A-C.
Other names: c.5031A>C, p.Glu1677Asp (NM_001127493.3); c.5070A>C, p.Glu1690Asp (NM_001354225.2); c.4959A>C, p.Glu1653Asp (NM_001354228.2, NM_001354258.2); c.5037A>C, p.Glu1679Asp (NM_001354230.2); c.5100A>C, p.Glu1700Asp (NM_001354231.2, NM_001354242.2); c.5094A>C, p.Glu1698Asp (NM_001354232.2); c.5055A>C, p.Glu1685Asp (NM_001354235.2, NM_001354246.2, NM_001354265.2); c.4956A>C, p.Glu1652Asp (NM_001354236.2); and 35 more; short protein forms E3771D, E1677D, E1558D, E1599D, E1624D, E1632D, E1639D, E1653D.
Identifiers: ClinVar variation 526922 (VCV000526922.8), dbSNP rs1261133929, ClinGen allele CA357942437.

ClinVar aggregate classification (germline): Uncertain significance. Review status: criteria provided, multiple submitters, no conflicts (2 of 4 stars). 2 submissions from 2 submitters: Uncertain significance (2). Last evaluated 2024-10-08.

Conditions:
Long QT syndrome (LQTS). Identifiers: MedGen C0023976, MeSH D008133, MONDO:0002442. Disease mechanism: loss of function. Inheritance: Various modes of inheritance.
Cardiovascular phenotype. Identifiers: MedGen CN230736.

Allele frequency attached by ClinVar (database versions not stated): gnomAD 0.00001; TOPMed 0.00001.
gnomAD v4.1: 12 of 1,614,034 alleles (0.00074%); highest among the groups gnomAD compares: Admixed American, 0.0017%; no homozygotes.

Submissions (2):

Ambry Genetics
Classification: Uncertain significance for Cardiovascular phenotype. Last evaluated: 2024-10-08. Review status: criteria provided, single submitter. Criteria: Ambry Variant Classification Scheme 2023. Collection method: clinical testing. Allele origin: germline.
Comment: The p.E3771D variant (also known as c.11313A>C), located in coding exon 42 of the ANK2 gene, results from an A to C substitution at nucleotide position 11313. The glutamic acid at codon 3771 is replaced by aspartic acid, an amino acid with highly similar properties. This amino acid position is conserved. In addition, the in silico prediction for this alteration is inconclusive. Since supporting evidence is limited at this time, the clinical significance of this alteration remains unclear.

Labcorp Genetics (formerly Invitae), Labcorp
Classification: Uncertain significance for Long QT syndrome. Last evaluated: 2017-09-25. Review status: criteria provided, single submitter. Criteria: Invitae Variant Classification Sherloc (09022015). Collection method: clinical testing. Allele origin: germline.
Comment: In summary, the available evidence is currently insufficient to determine the role of this variant in disease. Therefore, it has been classified as a Variant of Uncertain Significance. Algorithms developed to predict the effect of missense changes on protein structure and function output the following: SIFT: "Deleterious"; PolyPhen-2: "Possibly Damaging"; Align-GVGD: "Class C0". The aspartic acid amino acid residue is found in multiple mammalian species, suggesting that this missense change does not adversely affect protein function. These predictions have not been confirmed by published functional studies and their clinical significance is uncertain. This variant has not been reported in the literature in individuals with ANK2-related disease. This variant is not present in population databases (ExAC no frequency). This sequence change replaces glutamic acid with aspartic acid at codon 3771 of the ANK2 protein (p.Glu3771Asp). The glutamic acid residue is highly conserved and there is a small physicochemical difference between glutamic acid and aspartic acid.